The following is an entry in ClinVar:

NM_024996.7(GFM1):c.2215A>C (p.Thr739Pro)

Gene: GFM1 (G elongation factor mitochondrial 1; plus strand). Cytogenetic location: 3q25.32.
Variant type: single nucleotide variant.
Coding change: c.2215A>C on transcript NM_024996.7 (MANE Select); coding-DNA position 2215, A replaced by C.
Protein change: p.Thr739Pro; replaces threonine 739 with proline.
Molecular consequence: missense variant. On other transcripts: non-coding transcript variant (4).
Genome position (GRCh38, 1-based): chr3:158,691,426, A>C. VCF-style: chr3-158691426-A-C. GRCh37 (hg19) VCF-style: chr3-158409215-A-C.
Other names: c.2272A>C, p.Thr758Pro (NM_001308164.2); c.2134A>C, p.Thr712Pro (NM_001374355.1); c.2098A>C, p.Thr700Pro (NM_001374356.1); c.1990A>C, p.Thr664Pro (NM_001374357.1); c.1756A>C, p.Thr586Pro (NM_001374358.1); c.1648A>C, p.Thr550Pro (NM_001374359.1); c.1594A>C, p.Thr532Pro (NM_001374360.1); c.1531A>C, p.Thr511Pro (NM_001374361.1); and 1 more; short protein forms T550P, T664P, T511P, T739P, T532P, T586P, T700P, T712P.
Identifiers: ClinVar variation 2147905 (VCV002147905.3), dbSNP rs201634749, ClinGen allele CA2683132.

ClinVar aggregate classification (germline): Uncertain significance. Review status: criteria provided, multiple submitters, no conflicts (2 of 4 stars). 2 submissions from 2 submitters: Uncertain significance (2). Last evaluated 2024-07-08.

Conditions:
Inborn genetic diseases. Identifiers: MedGen C0950123, MeSH D030342.

Allele frequency attached by ClinVar (database versions not stated): gnomAD 0.00001.
gnomAD v4.1: 7 of 1,613,734 alleles (0.00043%); highest among the groups gnomAD compares: Admixed American, 0.012%; no homozygotes.

Submissions (2):

Ambry Genetics
Classification: Uncertain significance for Inborn genetic diseases. Last evaluated: 2024-07-08. Review status: criteria provided, single submitter. Criteria: Ambry Variant Classification Scheme 2023. Collection method: clinical testing. Allele origin: germline.

Labcorp Genetics (formerly Invitae), Labcorp
Classification: Uncertain significance. Last evaluated: 2022-11-01. Review status: criteria provided, single submitter. Criteria: Invitae Variant Classification Sherloc (09022015). Collection method: clinical testing. Allele origin: germline.
Comment: This sequence change replaces threonine, which is neutral and polar, with proline, which is neutral and non-polar, at codon 739 of the GFM1 protein (p.Thr739Pro). This variant is present in population databases (rs201634749, gnomAD 0.02%). This variant has not been reported in the literature in individuals affected with GFM1-related conditions. Algorithms developed to predict the effect of missense changes on protein structure and function (SIFT, PolyPhen-2, Align-GVGD) all suggest that this variant is likely to be tolerated. In summary, the available evidence is currently insufficient to determine the role of this variant in disease. Therefore, it has been classified as a Variant of Uncertain Significance.